The following is an entry in ClinVar:

NM_000174.5(GP9):c.459G>A (p.Ala153=)

Gene: GP9 (glycoprotein IX platelet; plus strand). Cytogenetic location: 3q21.3.
Variant type: single nucleotide variant.
Coding change: c.459G>A on transcript NM_000174.5 (MANE Select); coding-DNA position 459, G replaced by A.
Protein change: p.Ala153=; no amino-acid change (alanine 153 retained).
Molecular consequence: synonymous variant.
Genome position (GRCh38, 1-based): chr3:129,062,198, G>A. VCF-style: chr3-129062198-G-A. GRCh37 (hg19) VCF-style: chr3-128781041-G-A.
Other names: NM_000174.5(GP9):c.459G>A; p.Ala153=; c.459G>A (NM_000174.4).
Identifiers: ClinVar variation 1122031 (VCV001122031.12), dbSNP rs753215807, ClinGen allele CA2602720.

ClinVar aggregate classification (germline): Likely benign. Review status: reviewed by expert panel (3 of 4 stars). 3 submissions from 3 submitters: Likely benign (1). 2 of the submissions do not count toward it. Last evaluated 2025-02-11.

Conditions:
Bernard Soulier syndrome (BSS). Also called: Platelet Glycoprotein 1b, Deficiency of; BLEEDING DISORDER, PLATELET-TYPE, 1; Giant platelet syndrome; Hemorrhagiparous thrombocytic dystrophy; Giant platelet disease; PLATELET GLYCOPROTEIN Ib DEFICIENCY. Identifiers: Orphanet 274, MedGen C0005129, MeSH D001606, MONDO:0009276, OMIM 231200.
GP9-related disorder. Also called: GP9-related condition.

Allele frequency attached by ClinVar (database versions not stated): gnomAD exomes 0.00002 and 0.00003; ExAC 0.00004; gnomAD 0.00004; TOPMed 0.00005.
gnomAD v4.1: 52 of 1,569,016 alleles (0.0033%); highest among the groups gnomAD compares: South Asian, 0.0081%; no homozygotes.

Submissions (3):

ClinGen Platelet Disorders Variant Curation Expert Panel, ClinGen
Classification: Likely benign for Bernard Soulier syndrome. Last evaluated: 2025-02-11. Review status: reviewed by expert panel. Criteria: ClinGen Platelet ACMG Specifications GP9 V1.0.0. Collection method: curation. Allele origin: germline. Inheritance: Autosomal recessive inheritance.
Comment: The c.459G>A variant is a synonymous (silent) variant (p.Ala153=) that is not predicted by splice AI to impact splicing (BP4) and occurs at a nucleotide that is not highly conserved as shown by phyloP score of -3.75 (BP7). The Grpmax Filtering allele frequency in gnomAD v4.1 is 0.00003753 (based on 7/86580 alleles) in the South Asian population, which is above the ClinGen PD VCEP PM2_supporting threshold (<0.0000329) but below the BS1 threshold (>0.0007). In summary, this variant meets the criteria to be classified as likely benign for autosomal recessive Bernard-Soulier syndrome based on PD specifications of ACMG/AMP guidelines: BP4, BP7.

Labcorp Genetics (formerly Invitae), Labcorp
Classification: Likely benign. Last evaluated: 2026-01-24. Review status: criteria provided, single submitter. Criteria: Invitae Variant Classification Sherloc (09022015). Collection method: clinical testing. Allele origin: germline. Not counted in ClinVar's aggregate classification.

PreventionGenetics, part of Exact Sciences
Classification: Likely benign for GP9-related condition. Last evaluated: 2023-10-18. Review status: no assertion criteria provided. Collection method: clinical testing. Allele origin: germline. Not counted in ClinVar's aggregate classification.
Comment: This variant is classified as likely benign based on ACMG/AMP sequence variant interpretation guidelines (Richards et al. 2015 PMID: 25741868, with internal and published modifications).